The following is an entry in ClinVar:

NM_001372044.2(SHANK3):c.5046dup (p.Ile1683fs)

Gene: SHANK3 (SH3 and multiple ankyrin repeat domains 3; plus strand). Cytogenetic location: 22q13.33.
Variant type: Duplication.
Coding change: c.5046dup on transcript NM_001372044.2 (MANE Select); coding-DNA position 5046, one base duplicated (C; older notation c.5046dupC).
Protein change: p.Ile1683fs; shifts the reading frame from isoleucine 1683.
Molecular consequence: frameshift variant.
Genome position (GRCh38, 1-based): chr22:50,730,937, C duplicated; the last of 2 consecutive C bases (chr22:50,730,936-50,730,937); duplicating either gives the same sequence. VCF-style (leftmost placement, unchanged base first): chr22-50730935-A-AC. GRCh37 (hg19) VCF-style: chr22-51169363-A-AC.
Other names: c.4821dupC (NM_033517.1); c.4821dup (NM_033517.1); short protein forms I1683fs.
Identifiers: ClinVar variation 817237 (VCV000817237.2), dbSNP rs1603447381, ClinGen allele CA915951513.
Genomic context (GRCh38, chr22:50,730,935, plus strand): 5'-GTGGAGGGGCTGGGGGCGGGCGCGGGGGGCGCAGGGCGGCCCTTCGGCCTCACGCCCCCC[A>AC]CCATCCTCAAGTCGTCCAGCCTCTCCATCCCGCACGAGCCCAAGGAGGTGCGCTTCGTGG-3'

ClinVar aggregate classification (germline): Likely pathogenic (1 of 4 stars; one submission).

Submission:

GeneDx
Classification: Likely pathogenic. Last evaluated: 2024-07-22. Review status: criteria provided, single submitter. Criteria: GeneDx Variant Classification Process June 2021. Collection method: clinical testing. Allele origin: germline. Affected: yes.
Comment: Frameshift variant predicted to result in abnormal protein length as the last 124 amino acids are replaced with 85 different amino acids, and other similar variants have been reported in HGMD; Not observed at significant frequency in large population cohorts (gnomAD); Has not been previously published as pathogenic or benign to our knowledge